The following is an entry in ClinVar:

ClinVar aggregate classification (germline): Benign. Review status: criteria provided, multiple submitters, no conflicts (2 of 4 stars). 6 submissions from 6 submitters: Benign (6). Last evaluated 2026-02-04.

Conditions:
Primary ciliary dyskinesia. Also called: Ciliary dyskinesia. Identifiers: Orphanet 244, MedGen C0008780, MONDO:0016575, HP:0012265.
Retinal dystrophy. Also called: Inherited retinal dystrophy. Identifiers: Orphanet 71862, MedGen C0854723, MeSH D058499, MONDO:0019118, HP:0000556.

Allele frequency attached by ClinVar (database versions not stated): gnomAD exomes 0.03771 and 0.07961; ESP Exome Variant Server 0.05606; gnomAD 0.06219 and 0.06433; TOPMed 0.07285; ExAC 0.07609; 1000 Genomes Project 0.11020; 1000 Genomes Project 30x 0.11134.
gnomAD v4.1: 48,590 of 1,208,507 alleles (4%); highest among the groups gnomAD compares: Admixed American, 18%; 1,653 homozygotes.

Submissions (6):

Labcorp Genetics (formerly Invitae), Labcorp
Classification: Benign for Primary ciliary dyskinesia. Last evaluated: 2026-02-04. Review status: criteria provided, single submitter. Criteria: Invitae Variant Classification Sherloc (09022015). Collection method: clinical testing. Allele origin: germline.

Dept Of Ophthalmology, Nagoya University
Classification: Benign for Retinal dystrophy. Last evaluated: 2023-10-01. Review status: criteria provided, single submitter. Criteria: Submitter's publication. Collection method: research. Allele origin: germline. Affected: yes.

GeneDx
Classification: Benign. Last evaluated: 2018-07-09. Review status: criteria provided, single submitter. Criteria: GeneDx Variant Classification Process June 2021. Collection method: clinical testing. Allele origin: germline. Affected: yes.

PreventionGenetics, part of Exact Sciences
Classification: Benign. Last evaluated: 2018-04-03. Review status: criteria provided, single submitter. Criteria: ACMG Guidelines, 2015. Collection method: clinical testing. Allele origin: germline.

Laboratory for Molecular Medicine, Mass General Brigham Personalized Medicine
Classification: Benign. Last evaluated: 2016-03-28. Review status: criteria provided, single submitter. Criteria: LMM Criteria. Collection method: clinical testing. Allele origin: germline.
Comment: Variant identified in a genome or exome case(s) and assessed due to predicted null impact of the variant or pathogenic assertions in the literature or databases. Disclaimer: This variant has not undergone full assessment. The following are preliminary notes: Frequency

Breakthrough Genomics
Classification: Benign. Review status: criteria provided, single submitter. Criteria: ACMG Guidelines, 2015. Collection method: not provided. Allele origin: germline. Inheritance: X-linked inheritance. Affected: yes.

NM_001034853.2(RPGR):c.3264G>A (p.Val1088=)

Gene: RPGR (retinitis pigmentosa GTPase regulator; minus strand). Cytogenetic location: Xp11.4.
Variant type: single nucleotide variant.
Coding change: c.3264G>A on transcript NM_001034853.2 (MANE Select); coding-DNA position 3264, G replaced by A.
Protein change: p.Val1088=; no amino-acid change (valine 1088 retained).
Molecular consequence: synonymous variant. On other transcripts: intron variant (8).
Genome position (GRCh38, 1-based): chrX:38,285,735, C>T on the plus strand (G>A on the coding strand, the complement: RPGR is on the minus strand). VCF-style: chrX-38285735-C-T. GRCh37 (hg19) VCF-style: chrX-38144988-C-T.
Other names: c.1569+5224G>A (NM_001367249.1, NM_001367250.1); c.1902+1359G>A (NM_001367245.1); c.1386+5224G>A (NM_001367251.1); c.1719+1359G>A (NM_001367246.1); c.1572+5224G>A (NM_001367247.1); c.1905+1359G>A (NM_000328.3); c.1602+5224G>A (NM_001367248.1).
Identifiers: ClinVar variation 403389 (VCV000403389.19), dbSNP rs78736275, ClinGen allele CA10385165.